The following is an entry in ClinVar:

NM_001572.5(IRF7):c.233_265del (p.Gly78_Arg88del)

Gene: IRF7 (interferon regulatory factor 7; minus strand). Cytogenetic location: 11p15.5.
Variant type: Deletion.
Coding change: c.233_265del on transcript NM_001572.5 (MANE Select); coding-DNA positions 233 to 265, 33 bases deleted.
Protein change: p.Gly78_Arg88del.
Molecular consequence: inframe deletion.
Genome position (GRCh38, 1-based): chr11:614,926-614,958, 33 bases deleted; deleting any 33 consecutive bases within chr11:614,926-614,959 gives the same sequence; the c. name uses the placement nearest the transcript's 3' end. GRCh37 (hg19): chr11:614,927-614,959.
Other names: c.272_304del, p.Gly91_Arg101del (NM_001440440.1, NM_001440444.1, NM_004031.4); c.233_265del, p.Gly78_Arg88del (NM_001440442.1, NM_001440445.1, NM_001440446.1 and 1 more transcripts).
Identifiers: ClinVar variation 4728020 (VCV004728020.1).

ClinVar aggregate classification (germline): Uncertain significance (1 of 4 stars; one submission).

Conditions:
Immunodeficiency 39 (IMD39). Identifiers: Orphanet 574918, MedGen C4225358, MONDO:0014597, OMIM 616345.

Submission:

Labcorp Genetics (formerly Invitae), Labcorp
Classification: Uncertain significance for Immunodeficiency 39. Last evaluated: 2025-10-10. Review status: criteria provided, single submitter. Criteria: Invitae Variant Classification Sherloc (09022015). Collection method: clinical testing. Allele origin: germline.
Comment: This variant, c.272_304del, results in the deletion of 11 amino acid(s) of the IRF7 protein (p.Gly91_Arg101del), but otherwise preserves the integrity of the reading frame. This variant is not present in population databases (gnomAD no frequency). This variant has not been reported in the literature in individuals affected with IRF7-related conditions. Experimental studies and prediction algorithms are not available or were not evaluated, and the functional significance of this variant is currently unknown. In summary, the available evidence is currently insufficient to determine the role of this variant in disease. Therefore, it has been classified as a Variant of Uncertain Significance.